The following is an entry in ClinVar:

NM_015073.3(SIPA1L3):c.3615C>T (p.Ser1205=)

Gene: SIPA1L3 (signal induced proliferation associated 1 like 3; plus strand). Cytogenetic location: 19q13.13.
Variant type: single nucleotide variant.
Coding change: c.3615C>T on transcript NM_015073.3 (MANE Select); coding-DNA position 3615, C replaced by T.
Protein change: p.Ser1205=; no amino-acid change (serine 1205 retained).
Molecular consequence: synonymous variant.
Genome position (GRCh38, 1-based): chr19:38,152,921, C>T. VCF-style: chr19-38152921-C-T. GRCh37 (hg19) VCF-style: chr19-38643561-C-T.
Identifiers: ClinVar variation 729543 (VCV000729543.5), dbSNP rs567105060, ClinGen allele CA9410057.

ClinVar aggregate classification (germline): Benign/Likely benign. Review status: criteria provided, multiple submitters, no conflicts (2 of 4 stars). 2 submissions from 2 submitters: Benign (1); Likely benign (1). Last evaluated 2025-11-25.

Conditions:
SIPA1L3-related disorder. Also called: SIPA1L3-related condition.

Allele frequency attached by ClinVar (database versions not stated): gnomAD exomes 0.00003 and 0.00017; TOPMed 0.00005; gnomAD 0.00006 and 0.00007; ExAC 0.00013; 1000 Genomes Project 30x 0.00031; 1000 Genomes Project 0.00040.
gnomAD v4.1: 62 of 1,613,794 alleles (0.0038%); highest among the groups gnomAD compares: East Asian, 0.053%; no homozygotes.

Submissions (2):

Labcorp Genetics (formerly Invitae), Labcorp
Classification: Benign. Last evaluated: 2025-11-25. Review status: criteria provided, single submitter. Criteria: Invitae Variant Classification Sherloc (09022015). Collection method: clinical testing. Allele origin: germline.

PreventionGenetics, part of Exact Sciences
Classification: Likely benign for SIPA1L3-related condition. Last evaluated: 2024-12-23. Review status: criteria provided, single submitter. Criteria: ACMG Guidelines, 2015. Collection method: clinical testing. Allele origin: germline.
Comment: This variant is classified as likely benign based on ACMG/AMP sequence variant interpretation guidelines (Richards et al. 2015 PMID: 25741868, with internal and published modifications).